The following is an entry in ClinVar:

NM_000642.3(AGL):c.2851G>A (p.Asp951Asn)

Gene: AGL (amylo-alpha-1,6-glucosidase and 4-alpha-glucanotransferase; plus strand). Cytogenetic location: 1p21.2.
Variant type: single nucleotide variant.
Coding change: c.2851G>A on transcript NM_000642.3 (MANE Select); coding-DNA position 2851, G replaced by A.
Protein change: p.Asp951Asn; replaces aspartic acid 951 with asparagine.
Molecular consequence: missense variant.
Genome position (GRCh38, 1-based): chr1:99,891,258, G>A. VCF-style: chr1-99891258-G-A. GRCh37 (hg19) VCF-style: chr1-100356814-G-A.
Other names: c.2851G>A, p.Asp951Asn (NM_000028.3, NM_000643.3, NM_000644.3 and 1 more transcripts); c.2803G>A, p.Asp935Asn (NM_000646.3); c.2830G>A, p.Asp944Asn (NM_001425326.1); c.2650G>A, p.Asp884Asn (NM_001425327.1); c.2647G>A, p.Asp883Asn (NM_001425328.1); c.2512G>A, p.Asp838Asn (NM_001425329.1); c.2473G>A, p.Asp825Asn (NM_001425332.1); short protein forms D935N, D951N, D825N, D838N, D883N, D884N, D944N.
Identifiers: ClinVar variation 2044587 (VCV002044587.4), dbSNP rs1487264552, ClinGen allele CA341325003.
Genomic context (GRCh38, chr1:99,891,258, plus strand): 5'-TGACATGTCTCTGAATTTTCAGGTTTAATGTCTGTATTGGCAGAAATAAGACCAAAGAAT[G>A]ACTTGGGGCATCCTTTTTGTAATAATTTGAGATCTGGAGATTGGATGATTGACTATGTCA-3'
Protein context (NP_000633.2, residues 941-961): SVLAEIRPKN[Asp951Asn]LGHPFCNNLR

ClinVar aggregate classification (germline): Uncertain significance (1 of 4 stars; one submission).

Conditions:
Glycogen storage disease type III (GSD3). Also called: FORBES DISEASE; Cori disease. Identifiers: Orphanet 366, MedGen C0017922, MONDO:0009291, OMIM 232400.

Submission:

Labcorp Genetics (formerly Invitae), Labcorp
Classification: Uncertain significance for Glycogen storage disease type III. Last evaluated: 2021-12-17. Review status: criteria provided, single submitter. Criteria: Invitae Variant Classification Sherloc (09022015). Collection method: clinical testing. Allele origin: germline.
Comment: This sequence change replaces aspartic acid, which is acidic and polar, with asparagine, which is neutral and polar, at codon 951 of the AGL protein (p.Asp951Asn). This variant is not present in population databases (gnomAD no frequency). This variant has not been reported in the literature in individuals affected with AGL-related conditions. Algorithms developed to predict the effect of missense changes on protein structure and function are either unavailable or do not agree on the potential impact of this missense change (SIFT: "Deleterious"; PolyPhen-2: "Possibly Damaging"; Align-GVGD: "Class C0"). In summary, the available evidence is currently insufficient to determine the role of this variant in disease. Therefore, it has been classified as a Variant of Uncertain Significance.